The following is an entry in ClinVar:

ClinVar aggregate classification (germline): Uncertain significance (1 of 4 stars; one submission).

Allele frequency attached by ClinVar (database versions not stated): gnomAD exomes below 0.00001; gnomAD 0.00001; TOPMed 0.00002.
gnomAD v4.1: 6 of 1,609,316 alleles (0.00037%); highest among the groups gnomAD compares: South Asian, 0.0022%; no homozygotes.

Submission:

Labcorp Genetics (formerly Invitae), Labcorp
Classification: Uncertain significance. Last evaluated: 2023-12-19. Review status: criteria provided, single submitter. Criteria: Invitae Variant Classification Sherloc (09022015). Collection method: clinical testing. Allele origin: germline.
Comment: This sequence change replaces arginine, which is basic and polar, with glutamine, which is neutral and polar, at codon 830 of the CFH protein (p.Arg830Gln). This variant is not present in population databases (gnomAD no frequency). This variant has not been reported in the literature in individuals affected with CFH-related conditions. Algorithms developed to predict the effect of missense changes on protein structure and function output the following: SIFT: "Not Available"; PolyPhen-2: "Benign"; Align-GVGD: "Not Available". The glutamine amino acid residue is found in multiple mammalian species, which suggests that this missense change does not adversely affect protein function. In summary, the available evidence is currently insufficient to determine the role of this variant in disease. Therefore, it has been classified as a Variant of Uncertain Significance.

NM_000186.4(CFH):c.2489G>A (p.Arg830Gln)

Gene: CFH (complement factor H; plus strand). Cytogenetic location: 1q31.3.
Variant type: single nucleotide variant.
Coding change: c.2489G>A on transcript NM_000186.4 (MANE Select); coding-DNA position 2489, G replaced by A.
Protein change: p.Arg830Gln; replaces arginine 830 with glutamine.
Molecular consequence: missense variant.
Genome position (GRCh38, 1-based): chr1:196,736,899, G>A. VCF-style: chr1-196736899-G-A. GRCh37 (hg19) VCF-style: chr1-196706029-G-A.
Other names: short protein forms R830Q.
Identifiers: ClinVar variation 2982193 (VCV002982193.3), dbSNP rs1486048755, ClinGen allele CA343992865.
Genomic context (GRCh38, chr1:196,736,899, plus strand): 5'-TATGCCCACCTCCACCTCAGATTCCCAATTCTCACAATATGACAACCACACTGAATTATC[G>A]GGATGGAGAAAAAGTATCTGTTCTTTGCCAAGAAAATTATCTAATTCAGGAAGGAGAAGA-3'
Protein context (NP_000177.2, residues 820-840): SHNMTTTLNY[Arg830Gln]DGEKVSVLCQ